The following is an entry in ClinVar:

ClinVar aggregate classification (germline): Uncertain significance (1 of 4 stars; one submission).

Conditions:
Inborn genetic diseases. Identifiers: MedGen C0950123, MeSH D030342.

gnomAD v4.1: 1 of 1,613,930 alleles (0.000062%); highest among the groups gnomAD compares: Middle Eastern, 0.016%; no homozygotes.

Submission:

Ambry Genetics
Classification: Uncertain significance for Inborn genetic diseases. Last evaluated: 2026-03-09. Review status: criteria provided, single submitter. Criteria: Ambry Variant Classification Scheme 2023. Collection method: clinical testing. Allele origin: germline.
Comment: The p.M396K variant (also known as c.1187T>A), located in coding exon 9 of the BUB1B gene, results from a T to A substitution at nucleotide position 1187. The methionine at codon 396 is replaced by lysine, an amino acid with similar properties. This amino acid position is conserved. In addition, this alteration is predicted to be tolerated by in silico analysis. Based on the available evidence, the clinical significance of this variant remains unclear.

NM_001211.6(BUB1B):c.1187T>A (p.Met396Lys)

Gene: BUB1B (BUB1 mitotic checkpoint serine/threonine kinase B; plus strand). Cytogenetic location: 15q15.1.
Variant type: single nucleotide variant.
Coding change: c.1187T>A on transcript NM_001211.6 (MANE Select); coding-DNA position 1187, T replaced by A.
Protein change: p.Met396Lys; replaces methionine 396 with lysine.
Molecular consequence: missense variant.
Genome position (GRCh38, 1-based): chr15:40,196,673, T>A. VCF-style: chr15-40196673-T-A. GRCh37 (hg19) VCF-style: chr15-40488874-T-A.
Other names: short protein forms M396K.
Identifiers: ClinVar variation 4826655 (VCV004826655.1).